The following is an entry in ClinVar:

ClinVar aggregate classification (germline): Uncertain significance. Review status: criteria provided, multiple submitters, no conflicts (2 of 4 stars). 2 submissions from 2 submitters: Uncertain significance (2). Last evaluated 2023-07-16.

Allele frequency attached by ClinVar (database versions not stated): gnomAD exomes 0.00002 and 0.00004; ExAC 0.00006; gnomAD 0.00013 and 0.00014; ESP Exome Variant Server 0.00015; TOPMed 0.00021.

Submissions (2):

Labcorp Genetics (formerly Invitae), Labcorp
Classification: Uncertain significance. Last evaluated: 2023-07-16. Review status: criteria provided, single submitter. Criteria: Invitae Variant Classification Sherloc (09022015). Collection method: clinical testing. Allele origin: germline.
Comment: In summary, the available evidence is currently insufficient to determine the role of this variant in disease. Therefore, it has been classified as a Variant of Uncertain Significance. Algorithms developed to predict the effect of missense changes on protein structure and function output the following: SIFT: "Not Available"; PolyPhen-2: "Benign"; Align-GVGD: "Not Available". The aspartic acid amino acid residue is found in multiple mammalian species, which suggests that this missense change does not adversely affect protein function. ClinVar contains an entry for this variant (Variation ID: 1520031). This variant has not been reported in the literature in individuals affected with DGKZ-related conditions. This variant is present in population databases (rs143851594, gnomAD 0.05%). This sequence change replaces glutamic acid, which is acidic and polar, with aspartic acid, which is acidic and polar, at codon 267 of the DGKZ protein (p.Glu267Asp).

Ambry Genetics
Classification: Uncertain significance. Last evaluated: 2021-10-12. Review status: criteria provided, single submitter. Criteria: Ambry Variant Classification Scheme 2023. Collection method: clinical testing. Allele origin: germline.

NM_001199267.2(DGKZ):c.234G>C (p.Glu78Asp)

Gene: DGKZ (diacylglycerol kinase zeta; plus strand). Cytogenetic location: 11p11.2.
Variant type: single nucleotide variant.
Coding change: c.234G>C on transcript NM_001199267.2 (MANE Select); coding-DNA position 234, G replaced by C.
Protein change: p.Glu78Asp; replaces glutamic acid 78 with aspartic acid.
Molecular consequence: missense variant.
Genome position (GRCh38, 1-based): chr11:46,367,363, G>C. VCF-style: chr11-46367363-G-C. GRCh37 (hg19) VCF-style: chr11-46388913-G-C.
Other names: c.801G>C, p.Glu267Asp (NM_001105540.2); c.234G>C, p.Glu78Asp (NM_001199266.2, NM_001199268.2, NM_003646.4); c.285G>C, p.Glu95Asp (NM_201532.3); c.249G>C, p.Glu83Asp (NM_201533.3); c.801G>C (NM_001105540.1); short protein forms E83D, E267D, E78D, E95D.
Identifiers: ClinVar variation 1520031 (VCV001520031.7), dbSNP rs143851594, ClinGen allele CA5962263.